The following is an entry in ClinVar:

NM_017514.5(PLXNA3):c.269T>A (p.Leu90Gln)

Gene: PLXNA3 (plexin A3; plus strand). Cytogenetic location: Xq28.
Variant type: single nucleotide variant.
Coding change: c.269T>A on transcript NM_017514.5 (MANE Select); coding-DNA position 269, T replaced by A.
Protein change: p.Leu90Gln; replaces leucine 90 with glutamine.
Molecular consequence: missense variant.
Genome position (GRCh38, 1-based): chrX:154,460,452, T>A. VCF-style: chrX-154460452-T-A. GRCh37 (hg19) VCF-style: chrX-153688792-T-A.
Other names: short protein forms L90Q.
Identifiers: ClinVar variation 3421163 (VCV003421163.2).
Genomic context (GRCh38, chrX:154,460,452, plus strand): 5'-CCGTCGAGGACAACGCTCGCTGCTACCCGCCCCCCAGCATGCGCGTGTGTGCCCACCGCC[T>A]GGCCCCCGTGGACAACATCAACAAGCTGCTGCTCATAGACTATGCGGCCCGCCGCCTGGT-3'
Protein context (NP_059984.3, residues 80-100): PPSMRVCAHR[Leu90Gln]APVDNINKLL

ClinVar aggregate classification (germline): Uncertain significance. Review status: criteria provided, multiple submitters, no conflicts (2 of 4 stars). 2 submissions from 2 submitters: Uncertain significance (2). Last evaluated 2025-07-22.

Conditions:
PLXNA3-related disorder. Also called: PLXNA3-related condition.

gnomAD v4.1: 4 of 1,203,599 alleles (0.00033%); highest among the groups gnomAD compares: Admixed American, 0.0088%; no homozygotes.

Submissions (2):

PreventionGenetics, part of Exact Sciences
Classification: Uncertain significance for PLXNA3-related condition. Last evaluated: 2025-07-22. Review status: criteria provided, single submitter. Criteria: ACMG Guidelines, 2015. Collection method: clinical testing. Allele origin: germline.
Comment: The PLXNA3 c.269T>A variant is predicted to result in the amino acid substitution p.Leu90Gln. To our knowledge, this variant has not been reported in the literature. This variant is reported in 0.015% of alleles in individuals of Latino descent in gnomAD. At this time, the clinical significance of this variant is uncertain due to the absence of conclusive functional and genetic evidence.

Ambry Genetics
Classification: Uncertain significance. Last evaluated: 2024-10-16. Review status: criteria provided, single submitter. Criteria: Ambry Variant Classification Scheme 2023. Collection method: clinical testing. Allele origin: germline.